The following is an entry in ClinVar:

ClinVar aggregate classification (germline): Uncertain significance. Review status: criteria provided, multiple submitters, no conflicts (2 of 4 stars). 2 submissions from 2 submitters: Uncertain significance (2). Last evaluated 2025-06-14.

Conditions:
EGFR-related lung cancer (EGFR). Identifiers: MedGen CN130014.
Hereditary cancer-predisposing syndrome. Also called: Neoplastic Syndromes, Hereditary; Hereditary Cancer Syndrome; Hereditary neoplastic syndrome; Tumor predisposition. Identifiers: Orphanet 140162, MedGen C0027672, MeSH D009386, MONDO:0015356.

Submissions (2):

Ambry Genetics
Classification: Uncertain significance for Hereditary cancer-predisposing syndrome. Last evaluated: 2025-06-14. Review status: criteria provided, single submitter. Criteria: Ambry Variant Classification Scheme 2023. Collection method: clinical testing. Allele origin: germline.
Comment: The p.H559Q variant (also known as c.1677C>G), located in coding exon 14 of the EGFR gene, results from a C to G substitution at nucleotide position 1677. The histidine at codon 559 is replaced by glutamine, an amino acid with highly similar properties. This amino acid position is conserved. In addition, this alteration is predicted to be tolerated by in silico analysis. Based on the available evidence, the clinical significance of this variant remains unclear.

Labcorp Genetics (formerly Invitae), Labcorp
Classification: Uncertain significance for EGFR-related lung cancer. Last evaluated: 2021-10-14. Review status: criteria provided, single submitter. Criteria: Invitae Variant Classification Sherloc (09022015). Collection method: clinical testing. Allele origin: germline.
Comment: This sequence change replaces histidine with glutamine at codon 559 of the EGFR protein (p.His559Gln). The histidine residue is moderately conserved and there is a small physicochemical difference between histidine and glutamine. This variant is not present in population databases (ExAC no frequency). This variant has not been reported in the literature in individuals affected with EGFR-related conditions. Algorithms developed to predict the effect of missense changes on protein structure and function are either unavailable or do not agree on the potential impact of this missense change (SIFT: "Tolerated"; PolyPhen-2: "Possibly Damaging"; Align-GVGD: "Class C0"). In summary, the available evidence is currently insufficient to determine the role of this variant in disease. Therefore, it has been classified as a Variant of Uncertain Significance.

NM_005228.5(EGFR):c.1677C>G (p.His559Gln)

Gene: EGFR (epidermal growth factor receptor; plus strand). Cytogenetic location: 7p11.2.
Variant type: single nucleotide variant.
Coding change: c.1677C>G on transcript NM_005228.5 (MANE Select); coding-DNA position 1677, C replaced by G.
Protein change: p.His559Gln; replaces histidine 559 with glutamine.
Molecular consequence: missense variant.
Genome position (GRCh38, 1-based): chr7:55,163,778, C>G. VCF-style: chr7-55163778-C-G. GRCh37 (hg19) VCF-style: chr7-55231471-C-G.
Other names: c.1542C>G, p.His514Gln (NM_001346897.2, NM_001346899.2); c.1677C>G, p.His559Gln (NM_001346898.2, NM_201282.2, NM_201284.2); c.1518C>G, p.His506Gln (NM_001346900.2); c.876C>G, p.His292Gln (NM_001346941.2); c.1677C>G (NM_005228.3); short protein forms H292Q, H559Q, H514Q, H506Q.
Identifiers: ClinVar variation 1420932 (VCV001420932.7), dbSNP rs2128944706, ClinGen allele CA367580504.